The following is an entry in ClinVar:

ClinVar aggregate classification (germline): Uncertain significance. Review status: criteria provided, multiple submitters, no conflicts (2 of 4 stars). 2 submissions from 2 submitters: Uncertain significance (2). Last evaluated 2025-08-29.

Conditions:
Inborn genetic diseases. Identifiers: MedGen C0950123, MeSH D030342.

gnomAD v4.1: 186 of 1,613,830 alleles (0.012%); highest among the groups gnomAD compares: Non-Finnish European, 0.015%; no homozygotes.

Submissions (2):

Ambry Genetics
Classification: Uncertain significance for Inborn genetic diseases. Last evaluated: 2025-08-29. Review status: criteria provided, single submitter. Criteria: Ambry Variant Classification Scheme 2023. Collection method: clinical testing. Allele origin: germline.

GeneDx
Classification: Uncertain significance. Last evaluated: 2025-05-13. Review status: criteria provided, single submitter. Criteria: GeneDx Variant Classification Process June 2021. Collection method: clinical testing. Allele origin: germline. Affected: yes.
Comment: In silico analysis suggests that this missense variant does not alter protein structure/function; Has not been previously published as pathogenic or benign to our knowledge

NM_198551.4(MIA3):c.1943T>C (p.Val648Ala)

Gene: MIA3 (MIA SH3 domain ER export factor 3; plus strand). Cytogenetic location: 1q41.
Variant type: single nucleotide variant.
Coding change: c.1943T>C on transcript NM_198551.4 (MANE Select); coding-DNA position 1943, T replaced by C.
Protein change: p.Val648Ala; replaces valine 648 with alanine.
Molecular consequence: missense variant.
Genome position (GRCh38, 1-based): chr1:222,629,163, T>C. VCF-style: chr1-222629163-T-C. GRCh37 (hg19) VCF-style: chr1-222802505-T-C.
Other names: c.1943T>C (NM_198551.3); c.1943T>C, p.Val648Ala (NM_001324062.2, NM_001324063.2); c.1451T>C, p.Val484Ala (NM_001324064.2); short protein forms V648A, V484A.
Identifiers: ClinVar variation 4107535 (VCV004107535.2).